The following is an entry in ClinVar:

NM_001009944.3(PKD1):c.10725G>A (p.Trp3575Ter)

Genes: PKD1 (polycystin 1, transient receptor potential channel interacting; minus strand), PKD1-AS1 (PKD1 antisense RNA 1; plus strand). Cytogenetic location: 16p13.3.
Variant type: single nucleotide variant.
Coding change: c.10725G>A on transcript NM_001009944.3 (MANE Select); coding-DNA position 10725, G replaced by A.
Protein change: p.Trp3575Ter; replaces tryptophan 3575 with a stop codon.
Molecular consequence: nonsense.
Genome position (GRCh38, 1-based): chr16:2,093,907, C>T on the plus strand (G>A on the coding strand, the complement: PKD1 is on the minus strand). VCF-style: chr16-2093907-C-T. GRCh37 (hg19) VCF-style: chr16-2143908-C-T.
Other names: c.10722G>A, p.Trp3574Ter (NM_000296.4); c.10725G>A (NM_001009944.2); short protein forms W3574*, W3575*.
Identifiers: ClinVar variation 997310 (VCV000997310.14), dbSNP rs1177764199, ClinGen allele CA394340465.

ClinVar aggregate classification (germline): Pathogenic/Likely pathogenic. Review status: criteria provided, multiple submitters, no conflicts (2 of 4 stars). 5 submissions from 5 submitters: Pathogenic (3); Likely pathogenic (1). 1 of the submissions does not count toward it. Last evaluated 2025-08-18.

Conditions:
Polycystic kidney disease. Also called: Polycystic kidney dysplasia; Kidney, Polycystic. Identifiers: MedGen C0022680, MeSH D007690, MONDO:0020642, HP:0000113.
Polycystic kidney disease, adult type (PKD1). Also called: POLYCYSTIC KIDNEY DISEASE, ADULT, TYPE I; Polycystic Kidney Disease 1, Autosomal Dominant; Polycystic kidney disease 1; Polycystic kidney disease 1, severe; Polycystic Kidney, Autosomal Dominant; POLYCYSTIC KIDNEY DISEASE 1 WITH OR WITHOUT POLYCYSTIC LIVER DISEASE. Identifiers: MedGen C3149841, MONDO:0008263, OMIM 173900.

Submissions (5):

Centre for Clinical Genetics and Genomic Diagnostics, Zealand University Hospital
Classification: Pathogenic. Last evaluated: 2025-08-18. Review status: criteria provided, single submitter. Criteria: ACMG Guidelines, 2015. Collection method: clinical testing. Allele origin: germline. Affected: yes.

Fulgent Genetics
Classification: Pathogenic for Polycystic kidney disease, adult type. Last evaluated: 2024-03-06. Review status: criteria provided, single submitter. Criteria: ACMG Guidelines, 2015. Collection method: clinical testing. Allele origin: germline.

GeneDx
Classification: Pathogenic. Last evaluated: 2022-08-01. Review status: criteria provided, single submitter. Criteria: GeneDx Variant Classification Process June 2021. Collection method: clinical testing. Allele origin: germline. Affected: yes.
Comment: Nonsense variant predicted to result in protein truncation or nonsense mediated decay in a gene for which loss of function is a known mechanism of disease; Not observed at significant frequency in large population cohorts (gnomAD); This variant is associated with the following publications: (PMID: 15775720, 15772804)

Juno Genomics, Hangzhou Juno Genomics, Inc
Classification: Likely pathogenic for Polycystic kidney disease, adult type. Review status: criteria provided, single submitter. Criteria: ACMG Guidelines, 2015. Collection method: clinical testing. Allele origin: germline. Affected: yes.
Comment: Absent from controls (or at extremely low frequency if recessive) in Genome Aggregation Database, Exome Sequencing Project, 1000 Genomes Project, or Exome Aggregation Consortium.;Null variant in a gene where loss of function (LOF) is a known mechanism of disease.

Department of Pathology and Laboratory Medicine, Sinai Health System
Classification: Pathogenic for Polycystic Kidney disease. Review status: no assertion criteria provided. Collection method: clinical testing. Allele origin: unknown. Affected: yes. Study: The Canadian Open Genetics Repository (COGR). Not counted in ClinVar's aggregate classification.
Comment: The PKD1 p.Trp3575X variant was not identified in the literature nor was it identified in the following databases: dbSNP, ClinVar, GeneInsight-COGR, LOVD 3.0, or PKD1-LOVD. The variant was identified in ADPKD Mutation Database ("Definitely Pathogenic"). The variant was not identified in the control databases: the 1000 Genomes Project, the NHLBI GO Exome Sequencing Project, the Exome Aggregation Consortium (August 8th 2016), or the Genome Aggregation Database (Feb 27, 2017). The c.10725G>A variant leads to a premature stop codon at position 3575 which is predicted to lead to a truncated or absent protein and loss of function. Loss of function variants of the PKD1 gene are an established mechanism of disease in autosomal dominant polycystic kidney disease and is the type of variant expected to cause the disorder. In summary, based on the above information this variant meets our laboratoryâ€šÃ„Ã´s criteria to be classified as pathogenic.